The following is an entry in ClinVar:

NM_020549.5(CHAT):c.1493C>T (p.Ser498Leu)

Gene: CHAT (choline O-acetyltransferase; plus strand). Cytogenetic location: 10q11.23.
Variant type: single nucleotide variant.
Coding change: c.1493C>T on transcript NM_020549.5 (MANE Select); coding-DNA position 1493, C replaced by T.
Protein change: p.Ser498Leu; replaces serine 498 with leucine.
Molecular consequence: missense variant.
Genome position (GRCh38, 1-based): chr10:49,649,618, C>T. VCF-style: chr10-49649618-C-T. GRCh37 (hg19) VCF-style: chr10-50857664-C-T.
Other names: c.1139C>T, p.Ser380Leu (NM_001142934.2, NM_020984.4, NM_020985.4 and 2 more transcripts); c.1247C>T, p.Ser416Leu (NM_001142933.2); short protein forms S498L, S380L, S416L.
Identifiers: ClinVar variation 17512 (VCV000017512.2), dbSNP rs121912821, ClinGen allele CA257993.

ClinVar aggregate classification (germline): Likely pathogenic. Review status: criteria provided, single submitter (1 of 4 stars). 2 submissions from 2 submitters: Likely pathogenic (1). 1 of the submissions does not count toward it. Last evaluated 2025-02-17.

Conditions:
Congenital myasthenic syndrome (CMS). Also called: Congenital Myasthenic Syndromes. Identifiers: Orphanet 590, MedGen C0751882, MeSH D020294, MONDO:0018940.
Familial infantile myasthenia (CMS6). Also called: Congenital myasthenic syndrome type 6; MYASTHENIC SYNDROME, PRESYNAPTIC, CONGENITAL, ASSOCIATED WITH EPISODIC APNEA; MYASTHENIC SYNDROME, CONGENITAL, 6, PRESYNAPTIC. Identifiers: Orphanet 590, MedGen C0393929, MONDO:0009689, OMIM 254210.

Allele frequency attached by ClinVar (database versions not stated): gnomAD 0.00001; gnomAD exomes 0.00001 and 0.00002; ExAC 0.00003.
gnomAD v4.1: 11 of 1,613,686 alleles (0.00068%); highest among the groups gnomAD compares: African/African-American, 0.0013%; no homozygotes.

Submissions (2):

Women's Health and Genetics/Laboratory Corporation of America, LabCorp
Classification: Likely pathogenic for Congenital myasthenic syndrome. Last evaluated: 2025-02-17. Review status: criteria provided, single submitter. Criteria: LabCorp Variant Classification Summary - May 2015. Collection method: clinical testing. Allele origin: germline.
Comment: Variant summary: CHAT c.1493C>T (p.Ser498Leu) results in a non-conservative amino acid change located in the Choline/Carnitine o-acyltransferase domain (IPR039551) of the encoded protein sequence. Five of five in-silico tools predict a damaging effect of the variant on protein function. The variant allele was found at a frequency of 1.6e-05 in 249630 control chromosomes. c.1493C>T has been reported in the literature in at-least two individuals affected with Congenital Myasthenic Syndrome (Ohno_2001, Verberne_2022). These data indicate that the variant may be associated with disease. At least one publication reports experimental evidence evaluating an impact on protein function. The most pronounced variant effect results in significantly reduced ChAT enzyme activity (Ohno_2001). The following publications have been ascertained in the context of this evaluation (PMID: 11172068, 35253369). ClinVar contains an entry for this variant (Variation ID: 17512). Based on the evidence outlined above, the variant was classified as likely pathogenic.

OMIM
Classification: Pathogenic for MYASTHENIC SYNDROME, CONGENITAL, 6, PRESYNAPTIC. Last evaluated: 2001-02-13. Review status: no assertion criteria provided. Collection method: literature only. Allele origin: germline. Not counted in ClinVar's aggregate classification.

Literature cited by the submitters: PubMed 11172068 (cited by Women's Health and Genetics/Laboratory Corporation of America, LabCorp and OMIM); PubMed 35253369 (cited by Women's Health and Genetics/Laboratory Corporation of America, LabCorp).